The following is an entry in ClinVar:

NM_177438.3(DICER1):c.1639G>T (p.Val547Phe)

Gene: DICER1 (dicer 1, ribonuclease III; minus strand). Cytogenetic location: 14q32.13.
Variant type: single nucleotide variant.
Coding change: c.1639G>T on transcript NM_177438.3 (MANE Select); coding-DNA position 1639, G replaced by T.
Protein change: p.Val547Phe; replaces valine 547 with phenylalanine.
Molecular consequence: missense variant. On other transcripts: 5 prime UTR variant (1), non-coding transcript variant (6).
Genome position (GRCh38, 1-based): chr14:95,116,566, C>A on the plus strand (G>T on the coding strand, the complement: DICER1 is on the minus strand). VCF-style: chr14-95116566-C-A. GRCh37 (hg19) VCF-style: chr14-95582903-C-A.
Other names: c.1639G>T, p.Val547Phe (NM_001195573.1, NM_001271282.3, NM_001291628.2 and 12 more transcripts); c.1357G>T, p.Val453Phe (NM_001395686.1); c.1234G>T, p.Val412Phe (NM_001395687.1, NM_001395688.1, NM_001395689.1 and 3 more transcripts); c.1072G>T, p.Val358Phe (NM_001395691.1); c.-45G>T (NM_001395697.1); short protein forms V412F, V453F, V547F, V358F.
Identifiers: ClinVar variation 3650446 (VCV003650446.2).

ClinVar aggregate classification (germline): Uncertain significance (1 of 4 stars; one submission).

Conditions:
DICER1-related tumor predisposition. Also called: DICER1 syndrome; DICER1-related pleuropulmonary blastoma cancer predisposition syndrome. Identifiers: Orphanet 284343, MedGen C3839822, MONDO:0100216.

Submission:

Labcorp Genetics (formerly Invitae), Labcorp
Classification: Uncertain significance for DICER1-related tumor predisposition. Last evaluated: 2024-04-20. Review status: criteria provided, single submitter. Criteria: Invitae Variant Classification Sherloc (09022015). Collection method: clinical testing. Allele origin: germline.
Comment: This sequence change replaces valine, which is neutral and non-polar, with phenylalanine, which is neutral and non-polar, at codon 547 of the DICER1 protein (p.Val547Phe). This variant is not present in population databases (gnomAD no frequency). This variant has not been reported in the literature in individuals affected with DICER1-related conditions. Advanced modeling of protein sequence and biophysical properties (such as structural, functional, and spatial information, amino acid conservation, physicochemical variation, residue mobility, and thermodynamic stability) performed at Invitae indicates that this missense variant is expected to disrupt DICER1 protein function with a positive predictive value of 80%. In summary, the available evidence is currently insufficient to determine the role of this variant in disease. Therefore, it has been classified as a Variant of Uncertain Significance.